The following is an entry in ClinVar:

ClinVar aggregate classification (germline): Uncertain significance (1 of 4 stars; one submission).

Conditions:
Developmental and epileptic encephalopathy. Identifiers: MedGen C5779964, MONDO:0100620.

Allele frequency attached by ClinVar (database versions not stated): ExAC 0.00002; gnomAD exomes 0.00002; TOPMed 0.00004; gnomAD 0.00007 and 0.00008; ESP Exome Variant Server 0.00015.
gnomAD v4.1: 50 of 1,613,906 alleles (0.0031%); highest among the groups gnomAD compares: African/African-American, 0.02%; no homozygotes.

Submission:

Labcorp Genetics (formerly Invitae), Labcorp
Classification: Uncertain significance for Early-infantile DEE. Last evaluated: 2022-07-05. Review status: criteria provided, single submitter. Criteria: Invitae Variant Classification Sherloc (09022015). Collection method: clinical testing. Allele origin: germline.
Comment: This sequence change replaces glutamic acid, which is acidic and polar, with lysine, which is basic and polar, at codon 875 of the CACNA2D2 protein (p.Glu875Lys). This variant is present in population databases (rs140562117, gnomAD 0.02%). This variant has not been reported in the literature in individuals affected with CACNA2D2-related conditions. ClinVar contains an entry for this variant (Variation ID: 1041208). Algorithms developed to predict the effect of missense changes on protein structure and function are either unavailable or do not agree on the potential impact of this missense change (SIFT: "Deleterious"; PolyPhen-2: "Possibly Damaging"; Align-GVGD: "Class C15"). In summary, the available evidence is currently insufficient to determine the role of this variant in disease. Therefore, it has been classified as a Variant of Uncertain Significance.

NM_006030.4(CACNA2D2):c.2623G>A (p.Glu875Lys)

Genes: CACNA2D2 (calcium voltage-gated channel auxiliary subunit alpha2delta 2; minus strand), LOC101928965 (uncharacterized LOC101928965; plus strand), LOC127898564 (CYB561D2-LOC101928965; plus strand). Cytogenetic location: 3p21.31.
Variant type: single nucleotide variant.
Coding change: c.2623G>A on transcript NM_006030.4 (MANE Select); coding-DNA position 2623, G replaced by A.
Protein change: p.Glu875Lys; replaces glutamic acid 875 with lysine.
Molecular consequence: missense variant.
Genome position (GRCh38, 1-based): chr3:50,366,592, C>T on the plus strand (G>A on the coding strand, the complement: CACNA2D2 is on the minus strand). VCF-style: chr3-50366592-C-T. GRCh37 (hg19) VCF-style: chr3-50404023-C-T.
Other names: c.2623G>A, p.Glu875Lys (NM_001005505.3); c.2644G>A, p.Glu882Lys (NM_001174051.3); c.2416G>A, p.Glu806Lys (NM_001291101.1); short protein forms E882K, E875K, E806K.
Identifiers: ClinVar variation 1041208 (VCV001041208.3), dbSNP rs140562117, ClinGen allele CA2418423.